The following is an entry in ClinVar:

ClinVar aggregate classification (germline): Uncertain significance (1 of 4 stars; one submission).

Submission:

Ambry Genetics
Classification: Uncertain significance. Last evaluated: 2022-03-31. Review status: criteria provided, single submitter. Criteria: Ambry Variant Classification Scheme 2023. Collection method: clinical testing. Allele origin: germline.
Comment: The p.F386V variant (also known as c.1156T>G), located in coding exon 13 of the NPAT gene, results from a T to G substitution at nucleotide position 1156. The phenylalanine at codon 386 is replaced by valine, an amino acid with highly similar properties. This amino acid position is conserved. In addition, this alteration is predicted to be tolerated by in silico analysis. Since supporting evidence is limited at this time, the clinical significance of this alteration remains unclear.

NM_002519.3(NPAT):c.1156T>G (p.Phe386Val)

Gene: NPAT (nuclear protein, coactivator of histone transcription; minus strand). Cytogenetic location: 11q22.3.
Variant type: single nucleotide variant.
Coding change: c.1156T>G on transcript NM_002519.3 (MANE Select); coding-DNA position 1156, T replaced by G.
Protein change: p.Phe386Val; replaces phenylalanine 386 with valine.
Molecular consequence: missense variant.
Genome position (GRCh38, 1-based): chr11:108,173,828, A>C on the plus strand (T>G on the coding strand, the complement: NPAT is on the minus strand). VCF-style: chr11-108173828-A-C. GRCh37 (hg19) VCF-style: chr11-108044555-A-C.
Other names: c.1156T>G, p.Phe386Val (NM_001321307.1); short protein forms F386V.
Identifiers: ClinVar variation 1735506 (VCV001735506.2), dbSNP rs2496722311, ClinGen allele CA382516197.
Genomic context (GRCh38, chr11:108,173,828, plus strand): 5'-CATGGTTGTTGCTATTCTTCAAAGCATTTAATGGGTCATCATTCTGATAGGATGTACAAA[A>C]AGCGGGCTGACCAGACTGACCATCTGCAAAGTATCAGGCAGGTAGACAGATATGGTAAAT-3'
Protein context (NP_002510.2, residues 376-396): ESDGQSGQPA[Phe386Val]CTSYQNDDPL